The following is an entry in ClinVar:

ClinVar aggregate classification (germline): Uncertain significance (1 of 4 stars; one submission).

Allele frequency attached by ClinVar (database versions not stated): TOPMed below 0.00001.
gnomAD v4.1: 1 of 1,612,798 alleles (0.000062%); highest among the groups gnomAD compares: Non-Finnish European, 0.000085%; no homozygotes.

Submission:

Labcorp Genetics (formerly Invitae), Labcorp
Classification: Uncertain significance. Last evaluated: 2022-06-05. Review status: criteria provided, single submitter. Criteria: Invitae Variant Classification Sherloc (09022015). Collection method: clinical testing. Allele origin: germline.
Comment: This sequence change replaces tryptophan, which is neutral and slightly polar, with leucine, which is neutral and non-polar, at codon 95 of the SI protein (p.Trp95Leu). This variant is not present in population databases (gnomAD no frequency). This variant has not been reported in the literature in individuals affected with SI-related conditions. Advanced modeling of protein sequence and biophysical properties (such as structural, functional, and spatial information, amino acid conservation, physicochemical variation, residue mobility, and thermodynamic stability) performed at Invitae indicates that this missense variant is expected to disrupt SI protein function. In summary, the available evidence is currently insufficient to determine the role of this variant in disease. Therefore, it has been classified as a Variant of Uncertain Significance.

NM_001041.4(SI):c.284G>T (p.Trp95Leu)

Gene: SI (sucrase-isomaltase; minus strand). Cytogenetic location: 3q26.1.
Variant type: single nucleotide variant.
Coding change: c.284G>T on transcript NM_001041.4 (MANE Select); coding-DNA position 284, G replaced by T.
Protein change: p.Trp95Leu; replaces tryptophan 95 with leucine.
Molecular consequence: missense variant.
Genome position (GRCh38, 1-based): chr3:165,069,167, C>A on the plus strand (G>T on the coding strand, the complement: SI is on the minus strand). VCF-style: chr3-165069167-C-A. GRCh37 (hg19) VCF-style: chr3-164786955-C-A.
Other names: short protein forms W95L.
Identifiers: ClinVar variation 1972326 (VCV001972326.2), dbSNP rs1431737788, ClinGen allele CA355035755.